The following is an entry in ClinVar:

NM_015909.4(NBAS):c.2853T>G (p.Asn951Lys)

Gene: NBAS (NBAS subunit of NRZ tethering complex; minus strand). Cytogenetic location: 2p24.3.
Variant type: single nucleotide variant.
Coding change: c.2853T>G on transcript NM_015909.4 (MANE Select); coding-DNA position 2853, T replaced by G.
Protein change: p.Asn951Lys; replaces asparagine 951 with lysine.
Molecular consequence: missense variant. On other transcripts: non-coding transcript variant (1).
Genome position (GRCh38, 1-based): chr2:15,415,630, A>C on the plus strand (T>G on the coding strand, the complement: NBAS is on the minus strand). VCF-style: chr2-15415630-A-C. GRCh37 (hg19) VCF-style: chr2-15555754-A-C.
Other names: short protein forms N951K.
Identifiers: ClinVar variation 3177836 (VCV003177836.2), dbSNP rs1041925689, ClinGen allele CA42628137.

ClinVar aggregate classification (germline): Uncertain significance. Review status: criteria provided, multiple submitters, no conflicts (2 of 4 stars). 2 submissions from 2 submitters: Uncertain significance (2). Last evaluated 2024-07-29.

Conditions:
Inborn genetic diseases. Identifiers: MedGen C0950123, MeSH D030342.

Allele frequency attached by ClinVar (database versions not stated): gnomAD exomes below 0.00001; TOPMed 0.00002.
gnomAD v4.1: 3 of 1,614,142 alleles (0.00019%); highest among the groups gnomAD compares: Non-Finnish European, 0.00017%; no homozygotes.

Submissions (2):

Labcorp Genetics (formerly Invitae), Labcorp
Classification: Uncertain significance. Last evaluated: 2024-07-29. Review status: criteria provided, single submitter. Criteria: Invitae Variant Classification Sherloc (09022015). Collection method: clinical testing. Allele origin: germline.
Comment: This sequence change replaces asparagine, which is neutral and polar, with lysine, which is basic and polar, at codon 951 of the NBAS protein (p.Asn951Lys). This variant is not present in population databases (gnomAD no frequency). This variant has not been reported in the literature in individuals affected with NBAS-related conditions. Advanced modeling of protein sequence and biophysical properties (such as structural, functional, and spatial information, amino acid conservation, physicochemical variation, residue mobility, and thermodynamic stability) performed at Invitae indicates that this missense variant is not expected to disrupt NBAS protein function with a negative predictive value of 95%. In summary, the available evidence is currently insufficient to determine the role of this variant in disease. Therefore, it has been classified as a Variant of Uncertain Significance.

Ambry Genetics
Classification: Uncertain significance for Inborn genetic diseases. Last evaluated: 2023-10-25. Review status: criteria provided, single submitter. Criteria: Ambry Variant Classification Scheme 2023. Collection method: clinical testing. Allele origin: germline.